The following is an entry in ClinVar:

NM_006258.4(PRKG1):c.1173+239A>G

Gene: PRKG1 (protein kinase cGMP-dependent 1; plus strand). Cytogenetic location: 10q21.1.
Variant type: single nucleotide variant.
Coding change: c.1173+239A>G on transcript NM_006258.4 (MANE Select); 239 bases into the intron after coding-DNA position 1173, A replaced by G.
Molecular consequence: intron variant.
Genome position (GRCh38, 1-based): chr10:52,251,905, A>G. VCF-style: chr10-52251905-A-G. GRCh37 (hg19) VCF-style: chr10-54011665-A-G.
Other names: c.1128+239A>G (NM_001098512.3).
Identifiers: ClinVar variation 677989 (VCV000677989.2), dbSNP rs10824300, ClinGen allele CA13331673.

ClinVar aggregate classification (germline): Benign. Review status: criteria provided, multiple submitters, no conflicts (2 of 4 stars). 2 submissions from 2 submitters: Benign (2). Last evaluated 2018-06-14.

Allele frequency attached by ClinVar (database versions not stated): 1000 Genomes Project 30x 0.38991; 1000 Genomes Project 0.39297; TOPMed 0.45097; gnomAD 0.46905 and 0.47009; gnomAD exomes 0.55812.
gnomAD v4.1: 210,144 of 400,648 alleles (52%); highest among the groups gnomAD compares: Non-Finnish European, 61%; 58,731 homozygotes.

Submissions (2):

GeneDx
Classification: Benign. Last evaluated: 2018-06-14. Review status: criteria provided, single submitter. Criteria: GeneDx Variant Classification (06012015). Collection method: clinical testing. Allele origin: germline. Affected: yes.
Comment: This variant is considered likely benign or benign based on one or more of the following criteria: it is a conservative change, it occurs at a poorly conserved position in the protein, it is predicted to be benign by multiple in silico algorithms, and/or has population frequency not consistent with disease.

Breakthrough Genomics
Classification: Benign. Review status: criteria provided, single submitter. Criteria: ACMG Guidelines, 2015. Collection method: not provided. Allele origin: germline. Inheritance: Autosomal dominant inheritance. Affected: yes.